The following is an entry in ClinVar:

ClinVar aggregate classification (germline): Uncertain significance (1 of 4 stars; one submission).

Submission:

GeneDx
Classification: Uncertain significance. Last evaluated: 2024-08-12. Review status: criteria provided, single submitter. Criteria: GeneDx Variant Classification Process June 2021. Collection method: clinical testing. Allele origin: germline. Affected: yes.
Comment: Not observed at significant frequency in large population cohorts (gnomAD); In silico analysis supports that this missense variant has a deleterious effect on protein structure/function; Has not been previously published as pathogenic or benign to our knowledge

NM_000297.4(PKD2):c.1059A>C (p.Glu353Asp)

Gene: PKD2 (polycystin 2, transient receptor potential cation channel; plus strand). Cytogenetic location: 4q22.1.
Variant type: single nucleotide variant.
Coding change: c.1059A>C on transcript NM_000297.4 (MANE Select); coding-DNA position 1059, A replaced by C.
Protein change: p.Glu353Asp; replaces glutamic acid 353 with aspartic acid.
Molecular consequence: missense variant. On other transcripts: non-coding transcript variant (1).
Genome position (GRCh38, 1-based): chr4:88,038,466, A>C. VCF-style: chr4-88038466-A-C. GRCh37 (hg19) VCF-style: chr4-88959618-A-C.
Other names: short protein forms E353D.
Identifiers: ClinVar variation 3730984 (VCV003730984.1).